The following is an entry in ClinVar:

NM_033395.2(CEP295):c.5863del (p.Ser1955fs)

Gene: CEP295 (centrosomal protein 295; plus strand). Cytogenetic location: 11q21.
Variant type: Deletion.
Coding change: c.5863del on transcript NM_033395.2 (MANE Select); coding-DNA position 5863, one base deleted (T; older notation c.5863delT).
Protein change: p.Ser1955fs; shifts the reading frame from serine 1955.
Molecular consequence: frameshift variant.
Genome position (GRCh38, 1-based): chr11:93,721,966, T deleted. VCF-style (leftmost placement, unchanged base first): chr11-93721965-GT-G. GRCh37 (hg19) VCF-style: chr11-93455131-GT-G.
Other names: short protein forms S1955fs.
Identifiers: ClinVar variation 4281482 (VCV004281482.7).
Genomic context (GRCh38, chr11:93,721,965, plus strand): 5'-TTACATACTACTTGCTACATTGTGGTATGATATTCCCCTTAATTTCTAGGCTAAAACACT[GT>G]CTTATGAACCATTATCTTCAGCAACTGTTTCCACTGGGAGCCTTTTAAGTTATGAAAACA-3'

ClinVar aggregate classification (germline): Uncertain significance (1 of 4 stars; one submission).

Submission:

CeGaT Center for Human Genetics Tuebingen
Classification: Uncertain significance. Last evaluated: 2025-09-01. Review status: criteria provided, single submitter. Criteria: CeGaT Center For Human Genetics Tuebingen Variant Classification Criteria Version 2. Collection method: clinical testing. Allele origin: germline. Affected: yes. Observed: 1 variant allele.
Comment: CEP295: PM2, PVS1:Moderate